The following is an entry in ClinVar:

ClinVar aggregate classification (germline): Uncertain significance (1 of 4 stars; one submission).

Conditions:
Hereditary sensory and autonomic neuropathy type 7. Also called: HSAN VII; Neuropathy, hereditary sensory and autonomic, type VII. Identifiers: Orphanet 391397, MedGen C3809882, MONDO:0014244, OMIM 615548.
Familial episodic pain syndrome with predominantly lower limb involvement. Also called: Episodic pain syndrome, familial, 3. Identifiers: Orphanet 391384, Orphanet 391392, MedGen C3809899, MONDO:0014247, OMIM 615552.

Allele frequency attached by ClinVar (database versions not stated): gnomAD 0.00001; gnomAD exomes 0.00001; TOPMed 0.00001; ExAC 0.00002.

Submission:

Labcorp Genetics (formerly Invitae), Labcorp
Classification: Uncertain significance for Familial episodic pain syndrome with predominantly lower limb involvement; Hereditary sensory and autonomic neuropathy type 7. Last evaluated: 2024-10-24. Review status: criteria provided, single submitter. Criteria: Invitae Variant Classification Sherloc (09022015). Collection method: clinical testing. Allele origin: germline.
Comment: This sequence change replaces threonine, which is neutral and polar, with methionine, which is neutral and non-polar, at codon 340 of the SCN11A protein (p.Thr340Met). This variant is present in population databases (rs776207910, gnomAD 0.007%). This variant has not been reported in the literature in individuals affected with SCN11A-related conditions. ClinVar contains an entry for this variant (Variation ID: 653720). Invitae Evidence Modeling of protein sequence and biophysical properties (such as structural, functional, and spatial information, amino acid conservation, physicochemical variation, residue mobility, and thermodynamic stability) indicates that this missense variant is expected to disrupt SCN11A protein function with a positive predictive value of 80%. In summary, the available evidence is currently insufficient to determine the role of this variant in disease. Therefore, it has been classified as a Variant of Uncertain Significance.

NM_001349253.2(SCN11A):c.1019C>T (p.Thr340Met)

Gene: SCN11A (sodium voltage-gated channel alpha subunit 11; minus strand). Cytogenetic location: 3p22.2.
Variant type: single nucleotide variant.
Coding change: c.1019C>T on transcript NM_001349253.2 (MANE Select); coding-DNA position 1019, C replaced by T.
Protein change: p.Thr340Met; replaces threonine 340 with methionine.
Molecular consequence: missense variant.
Genome position (GRCh38, 1-based): chr3:38,910,148, G>A on the plus strand (C>T on the coding strand, the complement: SCN11A is on the minus strand). VCF-style: chr3-38910148-G-A. GRCh37 (hg19) VCF-style: chr3-38951639-G-A.
Other names: c.1019C>T, p.Thr340Met (NM_014139.3); short protein forms T340M.
Identifiers: ClinVar variation 653720 (VCV000653720.5), dbSNP rs776207910, ClinGen allele CA2322422.